The following is an entry in ClinVar:

ClinVar aggregate classification (germline): Conflicting classifications of pathogenicity. Review status: criteria provided, conflicting classifications (1 of 4 stars). 2 submissions from 2 submitters: Uncertain significance (1); Likely benign (1). Last evaluated 2026-01-27.

Conditions:
Hereditary cancer-predisposing syndrome. Also called: Neoplastic Syndromes, Hereditary; Hereditary Cancer Syndrome; Hereditary neoplastic syndrome; Tumor predisposition. Identifiers: Orphanet 140162, MedGen C0027672, MeSH D009386, MONDO:0015356.
Gastrointestinal stromal tumor. Also called: Gastrointestinal stroma tumor; Gastrointestinal stromal tumor, somatic. Identifiers: Orphanet 44890, MedGen C0238198, MeSH D046152, MONDO:0011719, OMIM 606764, HP:0100723.

Allele frequency attached by ClinVar (database versions not stated): gnomAD exomes 0.00001 and 0.00003; TOPMed 0.00001; gnomAD 0.00002.
gnomAD v4.1: 49 of 1,613,256 alleles (0.003%); highest among the groups gnomAD compares: Non-Finnish European, 0.0038%; no homozygotes.

Submissions (2):

Labcorp Genetics (formerly Invitae), Labcorp
Classification: Likely benign for Gastrointestinal stromal tumor. Last evaluated: 2026-01-27. Review status: criteria provided, single submitter. Criteria: Invitae Variant Classification Sherloc (09022015). Collection method: clinical testing. Allele origin: germline.

Ambry Genetics
Classification: Uncertain significance for Hereditary cancer-predisposing syndrome. Last evaluated: 2024-12-18. Review status: criteria provided, single submitter. Criteria: Ambry Variant Classification Scheme 2023. Collection method: clinical testing. Allele origin: germline.
Comment: The c.2583G>A variant (also known as p.E861E), located in coding exon 18 of the KIT gene, results from a G to A substitution at nucleotide position 2583. This nucleotide substitution does not change the amino acid at codon 861. This nucleotide position is not well conserved in available vertebrate species. In silico splice site analysis for this alteration is inconclusive. Based on the available evidence, the clinical significance of this variant remains unclear.

NM_000222.3(KIT):c.2583G>A (p.Glu861=)

Gene: KIT (KIT proto-oncogene, receptor tyrosine kinase; plus strand). Cytogenetic location: 4q12.
Variant type: single nucleotide variant.
Coding change: c.2583G>A on transcript NM_000222.3 (MANE Select); coding-DNA position 2583, G replaced by A.
Protein change: p.Glu861=; no amino-acid change (glutamic acid 861 retained).
Molecular consequence: synonymous variant.
Genome position (GRCh38, 1-based): chr4:54,736,596, G>A. VCF-style: chr4-54736596-G-A. GRCh37 (hg19) VCF-style: chr4-55602762-G-A.
Other names: c.2571G>A, p.Glu857= (NM_001093772.2, NM_001385292.1); c.2586G>A, p.Glu862= (NM_001385284.1); c.2580G>A, p.Glu860= (NM_001385285.1); c.2568G>A, p.Glu856= (NM_001385286.1); c.2574G>A, p.Glu858= (NM_001385288.1); c.2583G>A, p.Glu861= (NM_001385290.1).
Identifiers: ClinVar variation 415816 (VCV000415816.12), dbSNP rs1060504662, ClinGen allele CA16611613.
Genomic context (GRCh38, chr4:54,736,596, plus strand): 5'-TTTCAACTGTGTATACACGTTTGAAAGTGACGTCTGGTCCTATGGGATTTTTCTTTGGGA[G>A]CTGTTCTCTTTAGGTAAAATGATCCTTGCCAAAGACAACTTCATTAGACTCAGAGCATCT-3'
Protein context (NP_000213.1, residues 851-871): DVWSYGIFLW[Glu861=]LFSLGSSPYP